The following is an entry in ClinVar:

ClinVar aggregate classification (germline): Uncertain significance (1 of 4 stars; one submission).

Submission:

Ambry Genetics
Classification: Uncertain significance. Last evaluated: 2025-07-09. Review status: criteria provided, single submitter. Criteria: Ambry Variant Classification Scheme 2023. Collection method: clinical testing. Allele origin: germline.
Comment: The p.S830P variant (also known as c.2488T>C), located in coding exon 13 of the GEN1 gene, results from a T to C substitution at nucleotide position 2488. The serine at codon 830 is replaced by proline, an amino acid with similar properties. This amino acid position is conserved. In addition, this alteration is predicted to be tolerated by in silico analysis. Based on the available evidence, the clinical significance of this variant remains unclear.

NM_001130009.3(GEN1):c.2488T>C (p.Ser830Pro)

Gene: GEN1 (GEN1 Holliday junction 5' flap endonuclease; plus strand). Cytogenetic location: 2p24.2.
Variant type: single nucleotide variant.
Coding change: c.2488T>C on transcript NM_001130009.3 (MANE Select); coding-DNA position 2488, T replaced by C.
Protein change: p.Ser830Pro; replaces serine 830 with proline.
Molecular consequence: missense variant.
Genome position (GRCh38, 1-based): chr2:17,781,700, T>C. VCF-style: chr2-17781700-T-C. GRCh37 (hg19) VCF-style: chr2-17962967-T-C.
Other names: c.2488T>C, p.Ser830Pro (NM_182625.5); short protein forms S830P.
Identifiers: ClinVar variation 4263018 (VCV004263018.1).